The following is an entry in ClinVar:

ClinVar aggregate classification (germline): Uncertain significance. Review status: criteria provided, multiple submitters, no conflicts (2 of 4 stars). 2 submissions from 2 submitters: Uncertain significance (2). Last evaluated 2022-08-30.

Conditions:
Inborn genetic diseases. Identifiers: MedGen C0950123, MeSH D030342.

Submissions (2):

Blueprint Genetics
Classification: Uncertain significance. Last evaluated: 2022-08-30. Review status: criteria provided, single submitter. Criteria: ACMG Guidelines, 2015. Collection method: clinical testing. Allele origin: germline.

Ambry Genetics
Classification: Uncertain significance for Inborn genetic diseases. Last evaluated: 2020-10-05. Review status: criteria provided, single submitter. Criteria: Ambry Variant Classification Scheme 2023. Collection method: clinical testing. Allele origin: germline.
Comment: The c.475_477delCAT variant (also known as p.H159del) is located in coding exon 4 of the IGHMBP2 gene. This variant results from an in-frame CAT deletion at nucleotide positions 475 to 477. This results in the in-frame deletion of a histidine at codon 159. This amino acid position is well conserved in available vertebrate species. In addition, this alteration is predicted to be deleterious by in silico analysis (Choi Y et al. PLoS ONE. 2012; 7(10):e46688). Since supporting evidence is limited at this time, the clinical significance of this alteration remains unclear.

NM_002180.3(IGHMBP2):c.475_477del (p.His159del)

Gene: IGHMBP2 (immunoglobulin mu DNA binding protein 2; plus strand). Cytogenetic location: 11q13.3.
Variant type: Deletion.
Coding change: c.475_477del on transcript NM_002180.3 (MANE Select); coding-DNA positions 475 to 477, 3 bases deleted (CAT; older notation c.475_477delCAT).
Protein change: p.His159del; deletes histidine 159.
Molecular consequence: inframe deletion.
Genome position (GRCh38, 1-based): chr11:68,908,559-68,908,561, CAT deleted; deleting any 3 consecutive bases within chr11:68,908,557-68,908,561 gives the same sequence; the c. name uses the placement nearest the transcript's 3' end. VCF-style (leftmost placement, unchanged base first): chr11-68908556-TATC-T. GRCh37 (hg19) VCF-style: chr11-68676024-TATC-T.
Other names: short protein forms H159del.
Identifiers: ClinVar variation 1742843 (VCV001742843.3), dbSNP rs761100806, ClinGen allele CA6153305.
Genomic context (GRCh38, chr11:68,908,556, plus strand): 5'-ATTGCAGGTGTTCTAATTTTAGTTTTCTCCCTTGGCAGAGCCCTGATTGCTCTAAAGAAG[TATC>T]ATTCTGGCCCAGCCTCCTCACTCATAGAAGTGCTCTTTGGCAGATCTGCTCCCAGTCCTG-3'